The following is an entry in ClinVar:

ClinVar aggregate classification (germline): Likely pathogenic (1 of 4 stars; one submission).

Conditions:
Dilated cardiomyopathy 1G (CMD1G). Identifiers: Orphanet 154, MedGen C1858763, MONDO:0011400, OMIM 604145.
Autosomal recessive limb-girdle muscular dystrophy type 2J (LGMDR10). Also called: Limb-girdle muscular dystrophy, type 2J; MUSCULAR DYSTROPHY, LIMB-GIRDLE, AUTOSOMAL RECESSIVE 10. Identifiers: Orphanet 140922, MedGen C1837342, MONDO:0012127, OMIM 608807.

Allele frequency attached by ClinVar (database versions not stated): gnomAD exomes below 0.00001.
gnomAD v4.1: 1 of 1,601,040 alleles (0.000062%); highest among the groups gnomAD compares: African/African-American, 0.0013%; no homozygotes.

Submission:

Labcorp Genetics (formerly Invitae), Labcorp
Classification: Likely pathogenic for Dilated cardiomyopathy 1G; Autosomal recessive limb-girdle muscular dystrophy type 2J. Last evaluated: 2024-03-11. Review status: criteria provided, single submitter. Criteria: Invitae Variant Classification Sherloc (09022015). Collection method: clinical testing. Allele origin: germline.
Comment: This sequence change affects an acceptor splice site in intron 86 of the TTN gene. It is expected to disrupt RNA splicing and likely results in a truncated or disrupted TTN protein. This variant is not present in population databases (gnomAD no frequency). This variant has not been reported in the literature in individuals affected with TTN-related conditions. ClinVar contains an entry for this variant (Variation ID: 1978755). Algorithms developed to predict the effect of sequence changes on RNA splicing suggest that this variant may disrupt the consensus splice site. This variant is located in the I band of TTN (PMID: 25589632). Truncating variants in this region have been reported in individuals affected with autosomal recessive centronuclear myopathy (PMID: 23975875, Invitae internal data). Truncating variants in this region have also been identified in individuals affected with autosomal dominant dilated cardiomyopathy and/or cardio-related conditions (PMID: 27869827, 32964742, Invitae internal data). In summary, the currently available evidence indicates that the variant is pathogenic, but additional data are needed to prove that conclusively. Therefore, this variant has been classified as Likely Pathogenic.

Literature cited by the submitters: PubMed 25589632; PubMed 23975875; PubMed 27869827; PubMed 32964742.

NM_001267550.2(TTN):c.25064-1G>A

Gene: TTN (titin; minus strand). Cytogenetic location: 2q31.2.
Variant type: single nucleotide variant.
Coding change: c.25064-1G>A on transcript NM_001267550.2 (MANE Select); the canonical splice acceptor site of the intron before coding-DNA position 25064, G replaced by A.
Molecular consequence: splice acceptor variant. On other transcripts: intron variant (3).
Genome position (GRCh38, 1-based): chr2:178,717,811, C>T on the plus strand (G>A on the coding strand, the complement: TTN is on the minus strand). VCF-style: chr2-178717811-C-T. GRCh37 (hg19) VCF-style: chr2-179582538-C-T.
Other names: c.13282+20271G>A (NM_003319.4); c.13858+20271G>A (NM_133437.4); c.13657+20271G>A (NM_133432.3); c.21332-1G>A (NM_133378.4); c.24113-1G>A (NM_001256850.1).
Identifiers: ClinVar variation 1978755 (VCV001978755.4), dbSNP rs1418641045, ClinGen allele CA349489913.
Genomic context (GRCh38, chr2:178,717,811, plus strand): 5'-AGCCTAGAGTCTCATGAACGTCTTTCAGTTTTCTTGCAAAGAAAGGTGGAAGTTTGCGCG[C>T]TGTAAAGAAGTTACAGATAATCCTTATTTACAGGTGAGAAGGCATCCACAACATATTTCA-3'